The following is an entry in ClinVar:

ClinVar aggregate classification (germline): Uncertain significance. Review status: criteria provided, multiple submitters, no conflicts (2 of 4 stars). 2 submissions from 2 submitters: Uncertain significance (2). Last evaluated 2023-09-27.

Submissions (2):

Mayo Clinic Laboratories, Mayo Clinic
Classification: Uncertain significance. Last evaluated: 2023-09-27. Review status: criteria provided, single submitter. Criteria: ACMG Guidelines, 2015. Collection method: clinical testing. Allele origin: germline. Observed: 1 variant allele.
Comment: PM2_moderate

Labcorp Genetics (formerly Invitae), Labcorp
Classification: Uncertain significance. Last evaluated: 2021-08-24. Review status: criteria provided, single submitter. Criteria: Invitae Variant Classification Sherloc (09022015). Collection method: clinical testing. Allele origin: germline.

NM_001365999.1(SZT2):c.7753_7754delinsTT (p.Pro2585Leu)

Gene: SZT2 (SZT2 subunit of KICSTOR complex; plus strand). Cytogenetic location: 1p34.2.
Variant type: Indel.
Coding change: c.7753_7754delinsTT on transcript NM_001365999.1 (MANE Select); coding-DNA positions 7753 to 7754, CC replaced by TT.
Protein change: p.Pro2585Leu; replaces proline 2585 with leucine.
Molecular consequence: missense variant.
Genome position (GRCh38, 1-based): chr1:43,442,010-43,442,011, CC replaced by TT. VCF-style: chr1-43442010-CC-TT. GRCh37 (hg19) VCF-style: chr1-43907681-CC-TT.
Other names: p.Pro2528Leu; c.7582_7583delinsTT, p.Pro2528Leu (NM_015284.4); short protein forms P2528L, P2585L.
Identifiers: ClinVar variation 1063129 (VCV001063129.5), dbSNP rs2153935853, ClinGen allele CA2499214742.